The following is an entry in ClinVar:

NM_001042492.3(NF1):c.3740T>G (p.Phe1247Cys)

Gene: NF1 (neurofibromin 1; plus strand). Cytogenetic location: 17q11.2.
Variant type: single nucleotide variant.
Coding change: c.3740T>G on transcript NM_001042492.3 (MANE Select); coding-DNA position 3740, T replaced by G.
Protein change: p.Phe1247Cys; replaces phenylalanine 1247 with cysteine.
Molecular consequence: missense variant.
Genome position (GRCh38, 1-based): chr17:31,235,642, T>G. VCF-style: chr17-31235642-T-G. GRCh37 (hg19) VCF-style: chr17-29562660-T-G.
Other names: c.3740T>G, p.Phe1247Cys (NM_000267.4); short protein forms F1247C.
Identifiers: ClinVar variation 2130805 (VCV002130805.4), dbSNP rs2151437787, ClinGen allele CA398992408.

ClinVar aggregate classification (germline): Uncertain significance (1 of 4 stars; one submission).

Conditions:
Neurofibromatosis, type 1 (NF1). Also called: Peripheral type neurofibromatosis; NEUROFIBROMATOSIS, TYPE I, SOMATIC; Neurofibromatosis, type I; VON RECKLINGHAUSEN DISEASE. Identifiers: Orphanet 636, MedGen C0027831, MONDO:0018975, OMIM 162200. Disease mechanism: loss of function.

gnomAD v4.1: 1 of 1,614,178 alleles (0.000062%); highest among the groups gnomAD compares: Non-Finnish European, 0.000085%; no homozygotes.

Submission:

Labcorp Genetics (formerly Invitae), Labcorp
Classification: Uncertain significance for Neurofibromatosis, type 1. Last evaluated: 2022-04-26. Review status: criteria provided, single submitter. Criteria: Invitae Variant Classification Sherloc (09022015). Collection method: clinical testing. Allele origin: germline.
Comment: In summary, the available evidence is currently insufficient to determine the role of this variant in disease. Therefore, it has been classified as a Variant of Uncertain Significance. Advanced modeling of protein sequence and biophysical properties (such as structural, functional, and spatial information, amino acid conservation, physicochemical variation, residue mobility, and thermodynamic stability) performed at Invitae indicates that this missense variant is expected to disrupt NF1 protein function. This variant has not been reported in the literature in individuals affected with NF1-related conditions. This variant is not present in population databases (gnomAD no frequency). This sequence change replaces phenylalanine, which is neutral and non-polar, with cysteine, which is neutral and slightly polar, at codon 1247 of the NF1 protein (p.Phe1247Cys).